The following is an entry in ClinVar:

NM_022089.4(ATP13A2):c.344G>T (p.Gly115Val)

Gene: ATP13A2 (ATPase cation transporting 13A2; minus strand). Cytogenetic location: 1p36.13.
Variant type: single nucleotide variant.
Coding change: c.344G>T on transcript NM_022089.4 (MANE Select); coding-DNA position 344, G replaced by T.
Protein change: p.Gly115Val; replaces glycine 115 with valine.
Molecular consequence: missense variant.
Genome position (GRCh38, 1-based): chr1:17,005,017, C>A on the plus strand (G>T on the coding strand, the complement: ATP13A2 is on the minus strand). VCF-style: chr1-17005017-C-A. GRCh37 (hg19) VCF-style: chr1-17331512-C-A.
Other names: c.344G>T, p.Gly115Val (NM_001141973.3, NM_001141974.3); short protein forms G115V.
Identifiers: ClinVar variation 1949291 (VCV001949291.4), dbSNP rs1321429002, ClinGen allele CA338263697.

ClinVar aggregate classification (germline): Uncertain significance (1 of 4 stars; one submission).

Conditions:
Autosomal recessive spastic paraplegia type 78. Identifiers: Orphanet 513436, MedGen C5567893, MONDO:0014975, OMIM 617225.
Kufor-Rakeb syndrome (KRS). Also called: PARKINSON DISEASE 9, AUTOSOMAL RECESSIVE, JUVENILE-ONSET. Identifiers: Orphanet 306674, Orphanet 314632, MedGen C1847640, MONDO:0011706, OMIM 606693.

Allele frequency attached by ClinVar (database versions not stated): gnomAD exomes below 0.00001; TOPMed below 0.00001; gnomAD 0.00001.
gnomAD v4.1: 3 of 1,613,882 alleles (0.00019%); highest among the groups gnomAD compares: Non-Finnish European, 0.00025%; no homozygotes.

Submission:

Labcorp Genetics (formerly Invitae), Labcorp
Classification: Uncertain significance for Kufor-Rakeb syndrome; Autosomal recessive spastic paraplegia type 78. Last evaluated: 2022-06-08. Review status: criteria provided, single submitter. Criteria: Invitae Variant Classification Sherloc (09022015). Collection method: clinical testing. Allele origin: germline.
Comment: In summary, the available evidence is currently insufficient to determine the role of this variant in disease. Therefore, it has been classified as a Variant of Uncertain Significance. Algorithms developed to predict the effect of sequence changes on RNA splicing suggest that this variant may create or strengthen a splice site. Advanced modeling of protein sequence and biophysical properties (such as structural, functional, and spatial information, amino acid conservation, physicochemical variation, residue mobility, and thermodynamic stability) performed at Invitae indicates that this missense variant is not expected to disrupt ATP13A2 protein function. This variant has not been reported in the literature in individuals affected with ATP13A2-related conditions. This variant is not present in population databases (gnomAD no frequency). This sequence change replaces glycine, which is neutral and non-polar, with valine, which is neutral and non-polar, at codon 115 of the ATP13A2 protein (p.Gly115Val).